The following is an entry in ClinVar:

ClinVar aggregate classification (germline): Pathogenic (1 of 4 stars; one submission).

Conditions:
Early-infantile DEE. Also called: Ohtahara syndrome; Early infantile epileptic encephalopathy; Early infantile epileptic encephalopathy with suppression bursts. Identifiers: Orphanet 1934, MedGen C0393706, MONDO:0800491.

gnomAD v4.1: 1 of 1,594,024 alleles (0.000063%); highest among the groups gnomAD compares: South Asian, 0.0011%; no homozygotes.

Submission:

Labcorp Genetics (formerly Invitae), Labcorp
Classification: Pathogenic for Early-infantile DEE. Last evaluated: 2024-08-27. Review status: criteria provided, single submitter. Criteria: Invitae Variant Classification Sherloc (09022015). Collection method: clinical testing. Allele origin: germline.
Comment: This sequence change creates a premature translational stop signal (p.Ser1117*) in the SCN8A gene. It is expected to result in an absent or disrupted protein product. Loss-of-function variants in SCN8A are known to be pathogenic (PMID: 19254928, 32651551). This variant is not present in population databases (gnomAD no frequency). This premature translational stop signal has been observed in individual(s) with SCN8A-related epileptic encephalopathy (internal data). Algorithms developed to predict the effect of sequence changes on RNA splicing suggest that this variant may disrupt the consensus splice site. For these reasons, this variant has been classified as Pathogenic.

Literature cited by the submitters: PubMed 19254928; PubMed 32651551.

NM_001330260.2(SCN8A):c.3350C>A (p.Ser1117Ter)

Gene: SCN8A (sodium voltage-gated channel alpha subunit 8; plus strand). Cytogenetic location: 12q13.13.
Variant type: single nucleotide variant.
Coding change: c.3350C>A on transcript NM_001330260.2 (MANE Select); coding-DNA position 3350, C replaced by A.
Protein change: p.Ser1117Ter; replaces serine 1117 with a stop codon.
Molecular consequence: nonsense.
Genome position (GRCh38, 1-based): chr12:51,769,313, C>A. VCF-style: chr12-51769313-C-A. GRCh37 (hg19) VCF-style: chr12-52163097-C-A.
Other names: c.3350C>A, p.Ser1117Ter (NM_001177984.3, NM_001369788.1, NM_014191.4); short protein forms S1117*.
Identifiers: ClinVar variation 3656575 (VCV003656575.2).